The following is an entry in ClinVar:

ClinVar aggregate classification (germline): Conflicting classifications of pathogenicity. Review status: criteria provided, conflicting classifications (1 of 4 stars). 10 submissions from 10 submitters: Uncertain significance (7); Likely benign (2). 1 of the submissions does not count toward it. Last evaluated 2026-02-16.

Conditions:
MYO15A-related disorder. Also called: MYO15A-related condition.
Inborn genetic diseases. Identifiers: MedGen C0950123, MeSH D030342.
Autosomal recessive nonsyndromic hearing loss 3. Also called: NEUROSENSORY NONSYNDROMIC RECESSIVE DEAFNESS 3. Identifiers: Orphanet 90636, MedGen C1838263, MONDO:0010860, OMIM 600316.
Hearing impairment. Also called: Impaired Hearing. Identifiers: MedGen C1384666, MONDO:0005365, HP:0000365.

Allele frequency attached by ClinVar (database versions not stated): TOPMed 0.00051; gnomAD 0.00054 and 0.00058; ESP Exome Variant Server 0.00058; gnomAD exomes 0.00058 and 0.00068; ExAC 0.00068.
gnomAD v4.1: 1,055 of 1,613,588 alleles (0.065%); highest among the groups gnomAD compares: Non-Finnish European, 0.082%; 2 homozygotes.

Submissions (10):

PreventionGenetics, part of Exact Sciences
Classification: Uncertain significance for MYO15A-related condition. Last evaluated: 2026-02-16. Review status: criteria provided, single submitter. Criteria: ACMG Guidelines, 2015. Collection method: clinical testing. Allele origin: germline.
Comment: The MYO15A c.7984C>G variant is predicted to result in the amino acid substitution p.Leu2662Val. To our knowledge, this variant has not been reported in the literature. This variant is reported in 0.10% of alleles in individuals of European (Non-Finnish) descent in gnomAD. Although we suspect that this variant may be benign, at this time, the clinical significance of this variant is uncertain due to the absence of conclusive functional and genetic evidence.

Labcorp Genetics (formerly Invitae), Labcorp
Classification: Likely benign. Last evaluated: 2025-12-06. Review status: criteria provided, single submitter. Criteria: Invitae Variant Classification Sherloc (09022015). Collection method: clinical testing. Allele origin: germline.

CeGaT Center for Human Genetics Tuebingen
Classification: Likely benign. Last evaluated: 2025-08-01. Review status: criteria provided, single submitter. Criteria: CeGaT Center For Human Genetics Tuebingen Variant Classification Criteria Version 2. Collection method: clinical testing. Allele origin: germline. Affected: yes. Observed: 1 variant allele.
Comment: MYO15A: BP4

Ambry Genetics
Classification: Uncertain significance for Inborn genetic diseases. Last evaluated: 2024-06-19. Review status: criteria provided, single submitter. Criteria: Ambry Variant Classification Scheme 2023. Collection method: clinical testing. Allele origin: germline.

Institute for Clinical Genetics, University Hospital TU Dresden, University Hospital TU Dresden
Classification: Uncertain significance. Last evaluated: 2021-11-03. Review status: criteria provided, single submitter. Criteria: ACMG Guidelines, 2015. Collection method: clinical testing. Allele origin: germline.

Department of Otolaryngology – Head & Neck Surgery, Cochlear Implant Center
Classification: Uncertain significance for Hearing impairment. Last evaluated: 2021-04-12. Review status: criteria provided, single submitter. Criteria: ClinGen HL ACMG Specifications v1. Collection method: clinical testing. Allele origin: germline. Affected: yes.
Comment: PM2_Supporting, BP4_Supporting

Laboratory for Molecular Medicine, Mass General Brigham Personalized Medicine
Classification: Uncertain significance. Last evaluated: 2019-06-05. Review status: criteria provided, single submitter. Criteria: LMM Criteria. Collection method: clinical testing. Allele origin: germline. Observed: 2 variant alleles.
Comment: proposed classification - variant undergoing re-assessment, contact laboratory

Illumina Laboratory Services, Illumina
Classification: Uncertain significance for Autosomal recessive nonsyndromic hearing loss 3. Last evaluated: 2018-01-13. Review status: criteria provided, single submitter. Criteria: ICSL Variant Classification Criteria 13 December 2019. Collection method: clinical testing. Allele origin: germline.

Eurofins Ntd Llc (ga)
Classification: Uncertain significance. Last evaluated: 2014-11-21. Review status: criteria provided, single submitter. Criteria: EGL Classification Definitions 2015. Collection method: clinical testing. Allele origin: germline. Observed: 1 variant allele, 1 heterozygote.

Department of Pathology and Laboratory Medicine, Sinai Health System
Classification: Uncertain significance. Review status: no assertion criteria provided. Collection method: clinical testing. Allele origin: unknown. Affected: yes. Study: The Canadian Open Genetics Repository (COGR). Not counted in ClinVar's aggregate classification.
Comment: The MYO15A p.Leu2662Val variant was not identified in the literature but was identified in dbSNP (ID: rs200930743), ClinVar (classified as a VUS by EGL Genetic Diagnostics and Laboratory for Molecular Medicine) and LOVD 3.0 (classified as a VUS). The variant was identified in control databases in 164 of 280048 chromosomes (0 homozygous) at a frequency of 0.000586 increasing the likelihood this could be a low frequency benign variant (Genome Aggregation Database March 6, 2019, v2.1.1). The variant was observed in the following populations: European (non-Finnish) in 131 of 128014 chromosomes (freq: 0.001023), European (Finnish) in 23 of 25032 chromosomes (freq: 0.000919), Other in 6 of 7134 chromosomes (freq: 0.000841) and African in 4 of 24074 chromosomes (freq: 0.000166), but was not observed in the Latino, Ashkenazi Jewish, East Asian or South Asian populations. The p.Leu2662 residue is conserved across mammals and other organisms however computational analyses (PolyPhen-2, SIFT, AlignGVGD, BLOSUM, MutationTaster) provide inconsistent predictions regarding the impact to the protein; this information is not predictive enough to rule out pathogenicity. The variant occurs outside of the splicing consensus sequence and in silico or computational prediction software programs (SpliceSiteFinder, MaxEntScan, NNSPLICE, GeneSplicer) do not predict a difference in splicing. In summary, based on the above information the clinical significance of this variant cannot be determined with certainty at this time. This variant is classified as a variant of uncertain significance.

NM_016239.4(MYO15A):c.7984C>G (p.Leu2662Val)

Gene: MYO15A (myosin XVA; plus strand). Cytogenetic location: 17p11.2.
Variant type: single nucleotide variant.
Coding change: c.7984C>G on transcript NM_016239.4 (MANE Select); coding-DNA position 7984, C replaced by G.
Protein change: p.Leu2662Val; replaces leucine 2662 with valine.
Molecular consequence: missense variant.
Genome position (GRCh38, 1-based): chr17:18,153,792, C>G. VCF-style: chr17-18153792-C-G. GRCh37 (hg19) VCF-style: chr17-18057106-C-G.
Other names: short protein forms L2662V.
Identifiers: ClinVar variation 197491 (VCV000197491.40), dbSNP rs200930743, ClinGen allele CA245674.
Genomic context (GRCh38, chr17:18,153,792, plus strand): 5'-ACGAGGTGCCTTCTCCTGACTCCCTGATCCCCGCGCTCTCCAGCTCTGCCCTCGCGATCG[C>G]TGGAGCCCCCTGAGGAACTCACGCAGACGCGGCTGCACCGCCTCATCAATCCCAACTTCT-3'
Protein context (NP_057323.3, residues 2652-2672): APTSALPSRS[Leu2662Val]EPPEELTQTR